The following is an entry in ClinVar:

ClinVar aggregate classification (germline): Conflicting classifications of pathogenicity. Review status: criteria provided, conflicting classifications (1 of 4 stars). 6 submissions from 3 submitters: Uncertain significance (2); Likely benign (4). Last evaluated 2024-02-16.

Conditions:
Trigonocephaly 1 (TRIGNO1). Identifiers: Orphanet 3366, MedGen C0432122, MONDO:0008603, OMIM 190440.
Craniosynostosis syndrome. Also called: Craniosynostosis. Identifiers: Orphanet 1531, MedGen C0010278, MeSH D003398, MONDO:0015469, HP:0001363.
Osteoglophonic dysplasia (OGD). Also called: Osteoglophonic dwarfism. Identifiers: Orphanet 2645, MedGen C0432283, MONDO:0008150, OMIM 166250.
Hypogonadotropic hypogonadism 2 with or without anosmia (HH2). Also called: FGFR1-Related GnRH Deficiency (Kallmann Syndrome 2); HYPOGONADOTROPIC HYPOGONADISM 2 WITHOUT ANOSMIA; HYPOGONADOTROPIC HYPOGONADISM 2 WITH OR WITHOUT ANOSMIA, SUSCEPTIBILITY TO; HYPOGONADOTROPIC HYPOGONADISM 2 WITHOUT ANOSMIA, SUSCEPTIBILITY TO. Identifiers: Orphanet 478, MedGen C1563720, MONDO:0007844, OMIM 147950. Disease mechanism: loss of function.
Pfeiffer syndrome (ACS5). Also called: ACS V. Identifiers: Orphanet 710, MedGen C0220658, MONDO:0007043, OMIM 101600.

Allele frequency attached by ClinVar (database versions not stated): TOPMed 0.00001; ExAC 0.00002.
gnomAD v4.1: 7 of 1,419,112 alleles (0.00049%); highest among the groups gnomAD compares: Non-Finnish European, 0.000092%; no homozygotes.

Submissions (6):

Labcorp Genetics (formerly Invitae), Labcorp
Classification: Uncertain significance for Pfeiffer syndrome; Hypogonadotropic hypogonadism 2 with or without anosmia. Last evaluated: 2024-02-16. Review status: criteria provided, single submitter. Criteria: Invitae Variant Classification Sherloc (09022015). Collection method: clinical testing. Allele origin: germline.
Comment: This sequence change replaces arginine, which is basic and polar, with proline, which is neutral and non-polar, at codon 675 of the FGFR1 protein (p.Arg675Pro). This variant is present in population databases (rs771078736, gnomAD 0.03%). This variant has not been reported in the literature in individuals affected with FGFR1-related conditions. ClinVar contains an entry for this variant (Variation ID: 909924). Advanced modeling of protein sequence and biophysical properties (such as structural, functional, and spatial information, amino acid conservation, physicochemical variation, residue mobility, and thermodynamic stability) has been performed at Invitae for this missense variant, however the output from this modeling did not meet the statistical confidence thresholds required to predict the impact of this variant on FGFR1 protein function. In summary, the available evidence is currently insufficient to determine the role of this variant in disease. Therefore, it has been classified as a Variant of Uncertain Significance.

GeneDx
Classification: Uncertain significance. Last evaluated: 2021-10-27. Review status: criteria provided, single submitter. Criteria: GeneDx Variant Classification Process June 2021. Collection method: clinical testing. Allele origin: germline. Affected: yes.
Comment: In silico analysis supports that this missense variant has a deleterious effect on protein structure/function; In-silico analysis, which includes splice predictors and evolutionary conservation, is inconclusive as to whether the variant alters gene splicing. In the absence of RNA/functional studies, the actual effect of this sequence change is unknown.; Has not been previously published as pathogenic or benign to our knowledge

Illumina Laboratory Services, Illumina
Classification: Likely benign for Osteoglophonic dysplasia. Last evaluated: 2017-04-27. Review status: criteria provided, single submitter. Criteria: ICSL Variant Classification Criteria 13 December 2019. Collection method: clinical testing. Allele origin: germline.
Comment: This variant was observed as part of a predisposition screen in an ostensibly healthy population. A literature search was performed for the gene, cDNA change, and amino acid change (where applicable). No publications were found based on this search. Allele frequency data from public databases allowed determination this variant is unlikely to cause disease. Therefore, this variant is classified as likely benign.

Illumina Laboratory Services, Illumina
Classification: Likely benign for Trigonocephaly 1. Last evaluated: 2017-04-27. Review status: criteria provided, single submitter. Criteria: ICSL Variant Classification Criteria 13 December 2019. Collection method: clinical testing. Allele origin: germline.
Comment: the same text as in the submission from Illumina Laboratory Services, Illumina above.

Illumina Laboratory Services, Illumina
Classification: Likely benign for Hypogonadotropic hypogonadism 2 with or without anosmia. Last evaluated: 2017-04-27. Review status: criteria provided, single submitter. Criteria: ICSL Variant Classification Criteria 13 December 2019. Collection method: clinical testing. Allele origin: germline.
Comment: the same text as in the submission from Illumina Laboratory Services, Illumina above.

Illumina Laboratory Services, Illumina
Classification: Likely benign for Craniosynostosis. Last evaluated: 2017-04-27. Review status: criteria provided, single submitter. Criteria: ICSL Variant Classification Criteria 13 December 2019. Collection method: clinical testing. Allele origin: germline.
Comment: the same text as in the submission from Illumina Laboratory Services, Illumina above.

NM_023110.3(FGFR1):c.2024G>C (p.Arg675Pro)

Gene: FGFR1 (fibroblast growth factor receptor 1; minus strand). Cytogenetic location: 8p11.23.
Variant type: single nucleotide variant.
Coding change: c.2024G>C on transcript NM_023110.3 (MANE Select); coding-DNA position 2024, G replaced by C.
Protein change: p.Arg675Pro; replaces arginine 675 with proline.
Molecular consequence: missense variant.
Genome position (GRCh38, 1-based): chr8:38,414,583, C>G on the plus strand (G>C on the coding strand, the complement: FGFR1 is on the minus strand). VCF-style: chr8-38414583-C-G. GRCh37 (hg19) VCF-style: chr8-38272101-C-G.
Other names: c.2018G>C, p.Arg673Pro (NM_001174063.2, NM_001174065.2, NM_001354367.2 and 1 more transcripts); c.1994G>C, p.Arg665Pro (NM_001174064.2); c.1757G>C, p.Arg586Pro (NM_001174066.2, NM_023105.3); c.2117G>C, p.Arg706Pro (NM_001174067.2); c.1745G>C, p.Arg582Pro (NM_001354368.2); c.2012G>C, p.Arg671Pro (NM_001354369.2); c.1751G>C, p.Arg584Pro (NM_001354370.2, NM_023106.3); short protein forms R586P, R675P, R582P, R584P, R665P, R706P, R671P, R673P.
Identifiers: ClinVar variation 909924 (VCV000909924.8), dbSNP rs771078736, ClinGen allele CA4718200.